The following is an entry in ClinVar:

ClinVar aggregate classification (germline): Likely pathogenic (1 of 4 stars; one submission).

Submission:

Labcorp Genetics (formerly Invitae), Labcorp
Classification: Likely pathogenic. Last evaluated: 2022-08-14. Review status: criteria provided, single submitter. Criteria: Invitae Variant Classification Sherloc (09022015). Collection method: clinical testing. Allele origin: germline.
Comment: This variant is not present in population databases (gnomAD no frequency). This variant results in the deletion of part of exon 2 (c.93-33_96delins35) of the HBB gene. It is expected to disrupt RNA splicing. Variants that disrupt the donor or acceptor splice site typically lead to a loss of protein function (PMID: 16199547), and loss-of-function variants in HBB are known to be pathogenic (PMID: 23637309). This variant has not been reported in the literature in individuals affected with HBB-related conditions. In summary, the currently available evidence indicates that the variant is pathogenic, but additional data are needed to prove that conclusively. Therefore, this variant has been classified as Likely Pathogenic.

Literature cited by the submitters: PubMed 16199547; PubMed 23637309.

NM_000518.5(HBB):c.93-33_96delinsACTGTCCCTTGGGCTGTTTTCCTACCCTCAGATTA

Genes: HBB (hemoglobin subunit beta; minus strand), LOC106099062 (HBB recombination region; plus strand), LOC107133510 (origin of replication at HBB; plus strand). Cytogenetic location: 11p15.4.
Variant type: Indel.
Coding change: c.93-33_96delinsACTGTCCCTTGGGCTGTTTTCCTACCCTCAGATTA on transcript NM_000518.5 (MANE Select); 33 bases into the intron before coding-DNA position 93 through coding-DNA position 96, the reference bases replaced by an inserted sequence.
Molecular consequence: splice acceptor variant.
Genome position (GRCh38, 1-based): chr11:5,226,796-5,226,832, 37 bases replaced. GRCh37 (hg19): chr11:5,248,026-5,248,062.
Identifiers: ClinVar variation 2024192 (VCV002024192.4), dbSNP rs2494296194, ClinGen allele CA2580084014.